The following is an entry in ClinVar:

ClinVar aggregate classification (germline): Uncertain significance. Review status: criteria provided, multiple submitters, no conflicts (2 of 4 stars). 2 submissions from 2 submitters: Uncertain significance (2). Last evaluated 2021-09-15.

Conditions:
Inborn genetic diseases. Identifiers: MedGen C0950123, MeSH D030342.

Allele frequency attached by ClinVar (database versions not stated): gnomAD exomes 0.00001; gnomAD 0.00002; TOPMed 0.00003.

Submissions (2):

Ambry Genetics
Classification: Uncertain significance for Inborn genetic diseases. Last evaluated: 2021-09-15. Review status: criteria provided, single submitter. Criteria: Ambry Variant Classification Scheme 2023. Collection method: clinical testing. Allele origin: germline.

Labcorp Genetics (formerly Invitae), Labcorp
Classification: Uncertain significance. Last evaluated: 2021-08-26. Review status: criteria provided, single submitter. Criteria: Invitae Variant Classification Sherloc (09022015). Collection method: clinical testing. Allele origin: germline.
Comment: This sequence change replaces proline with serine at codon 134 of the DNASE1L3 protein (p.Pro134Ser). The proline residue is highly conserved and there is a moderate physicochemical difference between proline and serine. This variant is not present in population databases (ExAC no frequency). This variant has not been reported in the literature in individuals affected with DNASE1L3-related conditions. Algorithms developed to predict the effect of missense changes on protein structure and function (SIFT, PolyPhen-2, Align-GVGD) all suggest that this variant is likely to be disruptive. In summary, the available evidence is currently insufficient to determine the role of this variant in disease. Therefore, it has been classified as a Variant of Uncertain Significance.

NM_004944.4(DNASE1L3):c.400C>T (p.Pro134Ser)

Gene: DNASE1L3 (deoxyribonuclease 1L3; minus strand). Cytogenetic location: 3p14.3.
Variant type: single nucleotide variant.
Coding change: c.400C>T on transcript NM_004944.4 (MANE Select); coding-DNA position 400, C replaced by T.
Protein change: p.Pro134Ser; replaces proline 134 with serine.
Molecular consequence: missense variant.
Genome position (GRCh38, 1-based): chr3:58,204,802, G>A on the plus strand (C>T on the coding strand, the complement: DNASE1L3 is on the minus strand). VCF-style: chr3-58204802-G-A. GRCh37 (hg19) VCF-style: chr3-58190529-G-A.
Other names: c.310C>T, p.Pro104Ser (NM_001256560.2); c.400C>T (NM_004944.2); short protein forms P104S, P134S.
Identifiers: ClinVar variation 1427726 (VCV001427726.6), dbSNP rs892968726, ClinGen allele CA75475289.